The following is an entry in ClinVar:

ClinVar aggregate classification (germline): Conflicting classifications of pathogenicity. Review status: criteria provided, conflicting classifications (1 of 4 stars). 2 submissions from 2 submitters: Uncertain significance (1); Likely benign (1). Last evaluated 2026-08-31.

Conditions:
DNMT3A-related disorder. Also called: DNMT3A-related disorders; DNMT3A-related condition.
Tatton-Brown-Rahman overgrowth syndrome. Also called: Tatton-Brown-Rahman syndrome; Tall stature-intellectual disability-facial dysmorphism syndrome. Identifiers: Orphanet 404443, MedGen C4014545, MONDO:0014382, OMIM 615879.

Allele frequency attached by ClinVar (database versions not stated): ExAC 0.00001; gnomAD exomes 0.00001 and 0.00002; TOPMed 0.00002; gnomAD 0.00003 and 0.00004.
gnomAD v4.1: 14 of 1,611,492 alleles (0.00087%); highest among the groups gnomAD compares: African/African-American, 0.0027%; no homozygotes.

Submissions (2):

PreventionGenetics, part of Exact Sciences
Classification: Uncertain significance for DNMT3A-related condition. Last evaluated: 2026-08-31. Review status: criteria provided, single submitter. Criteria: ACMG Guidelines, 2015. Collection method: clinical testing. Allele origin: germline.
Comment: The DNMT3A c.455C>T variant is predicted to result in the amino acid substitution p.Ser152Phe. To our knowledge, this variant has not been reported in the literature. This variant is reported in 0.0040% of alleles in individuals of European (non-Finnish) descent in gnomAD. Although rare, this population frequency data is not consistent with de novo occurrence, which is the predominant mechanism of disease. Although we suspect that this variant may be benign, at this time, its clinical significance is uncertain due to the absence of conclusive functional and genetic evidence.

Labcorp Genetics (formerly Invitae), Labcorp
Classification: Likely benign for Tatton-Brown-Rahman overgrowth syndrome. Last evaluated: 2025-10-21. Review status: criteria provided, single submitter. Criteria: Invitae Variant Classification Sherloc (09022015). Collection method: clinical testing. Allele origin: germline.

NM_022552.5(DNMT3A):c.448+7C>T

Gene: DNMT3A (DNA methyltransferase 3 alpha; minus strand). Cytogenetic location: 2p23.3.
Variant type: single nucleotide variant.
Coding change: c.448+7C>T on transcript NM_022552.5 (MANE Select); 7 bases into the intron after coding-DNA position 448, C replaced by T.
Molecular consequence: intron variant. On other transcripts: missense variant (2).
Genome position (GRCh38, 1-based): chr2:25,282,434, G>A on the plus strand (C>T on the coding strand, the complement: DNMT3A is on the minus strand). VCF-style: chr2-25282434-G-A. GRCh37 (hg19) VCF-style: chr2-25505303-G-A.
Other names: c.455C>T, p.Ser152Phe (NM_001320892.2, NM_175630.1); c.448+7C>T (NM_175629.2); c.455C>T (NM_001320892.1); short protein forms S152F.
Identifiers: ClinVar variation 721567 (VCV000721567.9), dbSNP rs773465605, ClinGen allele CA1556477.